The following is an entry in ClinVar:

ClinVar aggregate classification (germline): Uncertain significance (1 of 4 stars; one submission).

Conditions:
Inborn genetic diseases. Identifiers: MedGen C0950123, MeSH D030342.

Submission:

Ambry Genetics
Classification: Uncertain significance for Inborn genetic diseases. Last evaluated: 2025-08-22. Review status: criteria provided, single submitter. Criteria: Ambry Variant Classification Scheme 2023. Collection method: clinical testing. Allele origin: germline.
Comment: The p.A512D variant (also known as c.1535C>A), located in coding exon 9 of the FANCM gene, results from a C to A substitution at nucleotide position 1535. The alanine at codon 512 is replaced by aspartic acid, an amino acid with dissimilar properties. This amino acid position is conserved. In addition, this alteration is predicted to be tolerated by in silico analysis. Based on the available evidence, the clinical significance of this variant remains unclear.

NM_020937.4(FANCM):c.1535C>A (p.Ala512Asp)

Gene: FANCM (FA complementation group M; plus strand). Cytogenetic location: 14q21.2.
Variant type: single nucleotide variant.
Coding change: c.1535C>A on transcript NM_020937.4 (MANE Select); coding-DNA position 1535, C replaced by A.
Protein change: p.Ala512Asp; replaces alanine 512 with aspartic acid.
Molecular consequence: missense variant.
Genome position (GRCh38, 1-based): chr14:45,159,234, C>A. VCF-style: chr14-45159234-C-A. GRCh37 (hg19) VCF-style: chr14-45628437-C-A.
Other names: c.1457C>A, p.Ala486Asp (NM_001308133.2); c.1535C>A, p.Ala512Asp (NM_001308134.2); short protein forms A486D, A512D.
Identifiers: ClinVar variation 4254696 (VCV004254696.1).